The following is an entry in ClinVar:

ClinVar aggregate classification (germline): Likely pathogenic. Review status: criteria provided, multiple submitters, no conflicts (2 of 4 stars). 2 submissions from 2 submitters: Likely pathogenic (2). Last evaluated 2023-01-12.

Conditions:
Early-infantile DEE. Also called: Early infantile epileptic encephalopathy with suppression bursts; Ohtahara syndrome; Early infantile epileptic encephalopathy. Identifiers: Orphanet 1934, MedGen C0393706, MONDO:0800491.
Developmental and epileptic encephalopathy, 5 (DEE5). Identifiers: Orphanet 3451, MedGen C3150731, MONDO:0013277, OMIM 613477.

Submissions (2):

Labcorp Genetics (formerly Invitae), Labcorp
Classification: Likely pathogenic for Early-infantile DEE. Last evaluated: 2023-01-12. Review status: criteria provided, single submitter. Criteria: Invitae Variant Classification Sherloc (09022015). Collection method: clinical testing. Allele origin: germline.
Comment: In summary, the currently available evidence indicates that the variant is pathogenic, but additional data are needed to prove that conclusively. Therefore, this variant has been classified as Likely Pathogenic. Experimental studies and prediction algorithms are not available or were not evaluated, and the functional significance of this variant is currently unknown. ClinVar contains an entry for this variant (Variation ID: 666262). This variant has been observed in individual(s) with SPTAN1-related conditions (PMID: 34653234). In at least one individual the variant was observed to be de novo. This variant is not present in population databases (gnomAD no frequency). This variant, c.6592_6597dup, results in the insertion of 2 amino acid(s) of the SPTAN1 protein (p.Leu2198_Gln2199dup), but otherwise preserves the integrity of the reading frame.

Genetics Laboratory - UDIAT Centre Diagnòstic, Hospital Universitari Parc Tauli
Classification: Likely pathogenic for Developmental and epileptic encephalopathy, 5. Last evaluated: 2019-07-10. Review status: criteria provided, single submitter. Criteria: ACMG Guidelines, 2015. Collection method: clinical testing. Allele origin: de novo. Affected: yes.

Literature cited by the submitters: PubMed 34653234 (cited by Labcorp Genetics (formerly Invitae), Labcorp).

NM_001130438.3(SPTAN1):c.6592_6597dup (p.Leu2198_Gln2199dup)

Gene: SPTAN1 (spectrin alpha, non-erythrocytic 1; plus strand). Cytogenetic location: 9q34.11.
Variant type: Duplication.
Coding change: c.6592_6597dup on transcript NM_001130438.3 (MANE Select); coding-DNA positions 6592 to 6597, 6 bases duplicated (CTGCAG; older notation c.6592_6597dupCTGCAG).
Protein change: p.Leu2198_Gln2199dup.
Molecular consequence: inframe insertion.
Genome position (GRCh38, 1-based): chr9:128,627,401-128,627,406, CTGCAG duplicated; duplicating any 6 consecutive bases within chr9:128,627,399-128,627,406 gives the same sequence; the c. name uses the placement nearest the transcript's 3' end. VCF-style (leftmost placement, unchanged base first): chr9-128627398-G-GAGCTGC. GRCh37 (hg19) VCF-style: chr9-131389677-G-GAGCTGC.
Other names: c.6517_6522dup, p.Leu2173_Gln2174dup (NM_001195532.2); c.6592_6597dup, p.Leu2198_Gln2199dup (NM_001363759.2); c.6532_6537dup, p.Leu2178_Gln2179dup (NM_001363765.2); c.6577_6582dup, p.Leu2193_Gln2194dup (NM_003127.4).
Identifiers: ClinVar variation 666262 (VCV000666262.4), dbSNP rs1589393179, ClinGen allele CA915947576.